The following is an entry in ClinVar:

ClinVar aggregate classification (germline): Uncertain significance. Review status: criteria provided, multiple submitters, no conflicts (2 of 4 stars). 2 submissions from 2 submitters: Uncertain significance (2). Last evaluated 2025-04-01.

Allele frequency attached by ClinVar (database versions not stated): gnomAD exomes 0.00009; TOPMed 0.00009; gnomAD 0.00011; ExAC 0.00014.

Submissions (2):

CeGaT Center for Human Genetics Tuebingen
Classification: Uncertain significance. Last evaluated: 2025-04-01. Review status: criteria provided, single submitter. Criteria: CeGaT Center For Human Genetics Tuebingen Variant Classification Criteria Version 2. Collection method: clinical testing. Allele origin: germline. Affected: yes. Observed: 2 variant alleles.
Comment: WDR87: PP2, BP4

Ambry Genetics
Classification: Uncertain significance. Last evaluated: 2024-01-17. Review status: criteria provided, single submitter. Criteria: Ambry Variant Classification Scheme 2023. Collection method: clinical testing. Allele origin: germline.

NM_001291088.2(WDR87):c.5605A>G (p.Lys1869Glu)

Gene: WDR87 (WD repeat domain 87; minus strand). Cytogenetic location: 19q13.13.
Variant type: single nucleotide variant.
Coding change: c.5605A>G on transcript NM_001291088.2 (MANE Select); coding-DNA position 5605, A replaced by G.
Protein change: p.Lys1869Glu; replaces lysine 1869 with glutamic acid.
Molecular consequence: missense variant.
Genome position (GRCh38, 1-based): chr19:37,888,066, T>C on the plus strand (A>G on the coding strand, the complement: WDR87 is on the minus strand). VCF-style: chr19-37888066-T-C. GRCh37 (hg19) VCF-style: chr19-38378706-T-C.
Other names: c.5488A>G, p.Lys1830Glu (NM_031951.5); short protein forms K1830E, K1869E.
Identifiers: ClinVar variation 2241083 (VCV002241083.9), dbSNP rs201178399, ClinGen allele CA9408573.